The following is an entry in ClinVar:

ClinVar aggregate classification (germline): Uncertain significance (1 of 4 stars; one submission).

Submission:

GeneDx
Classification: Uncertain significance. Last evaluated: 2026-10-16. Review status: criteria provided, single submitter. Criteria: GeneDx Variant Classification Process June 2021. Collection method: clinical testing. Allele origin: germline.
Comment: Not observed at significant frequency in large population cohorts (gnomAD); In silico analysis supports that this missense variant has a deleterious effect on protein structure/function; Has not been previously published as pathogenic or benign to our knowledge

NM_001282597.3(CTNNA2):c.2098G>A (p.Glu700Lys)

Gene: CTNNA2 (catenin alpha 2; plus strand). Cytogenetic location: 2p12.
Variant type: single nucleotide variant.
Coding change: c.2098G>A on transcript NM_001282597.3 (MANE Select); coding-DNA position 2098, G replaced by A.
Protein change: p.Glu700Lys; replaces glutamic acid 700 with lysine.
Molecular consequence: missense variant.
Genome position (GRCh38, 1-based): chr2:80,589,394, G>A. VCF-style: chr2-80589394-G-A. GRCh37 (hg19) VCF-style: chr2-80816519-G-A.
Other names: c.2098G>A, p.Glu700Lys (NM_001164883.2, NM_001399737.1, NM_004389.4); c.2200G>A, p.Glu734Lys (NM_001282598.2); c.1135G>A, p.Glu379Lys (NM_001282599.2); c.994G>A, p.Glu332Lys (NM_001282600.2, NM_001320810.2); short protein forms E332K, E379K, E700K, E734K.
Identifiers: ClinVar variation 3767570 (VCV003767570.2).